The following is an entry in ClinVar:

ClinVar aggregate classification (germline): Uncertain significance (1 of 4 stars; one submission).

Submission:

Labcorp Genetics (formerly Invitae), Labcorp
Classification: Uncertain significance. Last evaluated: 2021-07-28. Review status: criteria provided, single submitter. Criteria: Invitae Variant Classification Sherloc (09022015). Collection method: clinical testing. Allele origin: germline.
Comment: In summary, the available evidence is currently insufficient to determine the role of this variant in disease. Therefore, it has been classified as a Variant of Uncertain Significance. Experimental studies and prediction algorithms are not available or were not evaluated, and the functional significance of this variant is currently unknown. This variant has not been reported in the literature in individuals affected with KCNJ13-related conditions. This variant is not present in population databases (ExAC no frequency). This sequence change creates a premature translational stop signal (p.Glu324*) in the KCNJ13 gene. While this is not anticipated to result in nonsense mediated decay, it is expected to disrupt the last 37 amino acid(s) of the KCNJ13 protein.

NM_002242.4(KCNJ13):c.970G>T (p.Glu324Ter)

Genes: GIGYF2 (GRB10 interacting GYF protein 2; plus strand), KCNJ13 (potassium inwardly rectifying channel subfamily J member 13; minus strand). Cytogenetic location: 2q37.1.
Variant type: single nucleotide variant.
Coding change: c.970G>T on transcript NM_002242.4 (MANE Select); coding-DNA position 970, G replaced by T.
Protein change: p.Glu324Ter; replaces glutamic acid 324 with a stop codon.
Molecular consequence: nonsense. On other transcripts: 3 prime UTR variant (1), intron variant (4).
Genome position (GRCh38, 1-based): chr2:232,768,304, C>A on the plus strand (G>T on the coding strand, the complement: KCNJ13 is on the minus strand). VCF-style: chr2-232768304-C-A. GRCh37 (hg19) VCF-style: chr2-233633014-C-A.
Other names: c.*449G>T (NM_001172416.1); c.730G>T, p.Glu244Ter (NM_001172417.1); c.532+6868C>A (NM_001103146.3, NM_015575.4, NM_001103147.2 and 1 more transcripts); short protein forms E324*, E244*.
Identifiers: ClinVar variation 1370456 (VCV001370456.6), dbSNP rs1699060695, ClinGen allele CA351007583.